The following is an entry in ClinVar:

ClinVar aggregate classification (germline): Benign. Review status: reviewed by expert panel (3 of 4 stars). 13 submissions from 12 submitters: Benign (1). 12 of the submissions do not count toward it. Last evaluated 2024-09-17.

Conditions:
Cardiovascular phenotype. Identifiers: MedGen CN230736.
RASopathy. Also called: rasopathies; Noonan spectrum disorder. Identifiers: Orphanet 536391, MedGen C5555857, MONDO:0021060.
LEOPARD syndrome 2 (LPRD2). Also called: RAF1-Related LEOPARD Syndrome. Identifiers: Orphanet 500, MedGen C1969056, MONDO:0012691, OMIM 611554.
Noonan syndrome 5 (NS5). Also called: RAF1-Related Noonan Syndrome. Identifiers: Orphanet 648, MedGen C1969057, MONDO:0012690, OMIM 611553. Disease mechanism: gain of function.
Noonan syndrome 1 (NS1). Also called: FEMALE PSEUDO-TURNER SYNDROME; TURNER PHENOTYPE WITH NORMAL KARYOTYPE; PTPN11-Related Noonan Syndrome. Identifiers: Orphanet 648, MedGen C4551602, MONDO:0008104, OMIM 163950. Disease mechanism: gain of function.

Allele frequency attached by ClinVar (database versions not stated): 1000 Genomes Project 30x 0.00031; 1000 Genomes Project 0.00040; TOPMed 0.00062; ExAC 0.00093; gnomAD 0.00015 and 0.00016.
gnomAD v4.1: 359 of 1,614,160 alleles (0.022%); highest among the groups gnomAD compares: Admixed American, 0.58%; 2 homozygotes.

Submissions (13):

ClinGen RASopathy Variant Curation Expert Panel
Classification: Benign for RASopathy. Last evaluated: 2024-09-17. Review status: reviewed by expert panel. Criteria: ClinGen RASopathy ACMG Specifications RAF1 V2.1.0. Collection method: curation. Allele origin: germline. Inheritance: Autosomal dominant inheritance.
Comment: The c.119G>A variant in the RAF1 gene is a missense variant predicted to cause substitution of arginine by histidine at amino acid 40 (p.Arg40His). The filtering allele frequency of this variant is 0.5265% for Admixed American chromosomes in gnomAD v4, which is a high enough frequency to be classified as benign based on thresholds defined by the ClinGen RASopathy Expert panel for autosomal dominant RASopathy variants (BA1). The computational predictor REVEL gives a score of 0.281, which is below the threshold of 0.3 and does not predict a damaging effect on RAF1 function (BP4). This variant has been identified in a patient with an alternate molecular basis for disease and did not segregate with disease in affected family members (BP5, BS4; GeneDx internal data; GTR ID: 26957; SCV000171283.11). Additionally this variant was identified in multiple healthy individuals (BS2_P, Eurofins, SCV000227278.5; Illumina, SCV000440638.3; Ambry Genetics, SCV000736788.4). In summary, this variant meets criteria to be classified as benign for autosomal dominant RASopathies based on the ACMG/AMP criteria applied, as specified by the ClinGen RASopathy Variant Curation Expert Panel: BA1, BS4, BS2_supporting, BP4, BP5 (Specification Version 2.1, 9/17/2024)

CeGaT Center for Human Genetics Tuebingen
Classification: Likely benign. Last evaluated: 2026-03-01. Review status: criteria provided, single submitter. Criteria: CeGaT Center For Human Genetics Tuebingen Variant Classification Criteria Version 2. Collection method: clinical testing. Allele origin: germline. Affected: yes. Observed: 2 variant alleles. Not counted in ClinVar's aggregate classification.
Comment: RAF1: BS1

Labcorp Genetics (formerly Invitae), Labcorp
Classification: Benign for RASopathy. Last evaluated: 2026-01-31. Review status: criteria provided, single submitter. Criteria: Invitae Variant Classification Sherloc (09022015). Collection method: clinical testing. Allele origin: germline. Not counted in ClinVar's aggregate classification.

Mayo Clinic Laboratories, Mayo Clinic
Classification: Benign. Last evaluated: 2025-06-02. Review status: criteria provided, single submitter. Criteria: ACMG Guidelines, 2015. Collection method: clinical testing. Allele origin: germline. Observed: 1 variant allele. Not counted in ClinVar's aggregate classification.
Comment: BA1

Molecular Diagnostic Laboratory for Inherited Cardiovascular Disease, Montreal Heart Institute
Classification: Likely benign. Last evaluated: 2025-04-09. Review status: criteria provided, single submitter. Criteria: ACMG Guidelines, 2015. Collection method: clinical testing. Allele origin: germline. Affected: no. Not counted in ClinVar's aggregate classification.

Blueprint Genetics
Classification: Likely benign. Last evaluated: 2024-01-31. Review status: criteria provided, single submitter. Criteria: ACMG Guidelines, 2015. Collection method: clinical testing. Allele origin: germline. Not counted in ClinVar's aggregate classification.

ARUP Laboratories, Molecular Genetics and Genomics, ARUP Laboratories
Classification: Benign. Last evaluated: 2022-03-30. Review status: criteria provided, single submitter. Criteria: ARUP Molecular Germline Variant Investigation Process 2021. Collection method: clinical testing. Allele origin: germline. Not counted in ClinVar's aggregate classification.

GeneDx
Classification: Benign. Last evaluated: 2018-08-28. Review status: criteria provided, single submitter. Criteria: GeneDx Variant Classification (06012015). Collection method: clinical testing. Allele origin: germline. Affected: yes. Not counted in ClinVar's aggregate classification.
Comment: This variant is considered likely benign or benign based on one or more of the following criteria: it is a conservative change, it occurs at a poorly conserved position in the protein, it is predicted to be benign by multiple in silico algorithms, and/or has population frequency not consistent with disease.

Ambry Genetics
Classification: Benign for Cardiovascular phenotype. Last evaluated: 2018-07-23. Review status: criteria provided, single submitter. Criteria: Ambry Variant Classification Scheme 2023. Collection method: clinical testing. Allele origin: germline. Not counted in ClinVar's aggregate classification.

Illumina Laboratory Services, Illumina
Classification: Benign for LEOPARD syndrome 2. Last evaluated: 2018-01-12. Review status: criteria provided, single submitter. Criteria: ICSL Variant Classification Criteria 13 December 2019. Collection method: clinical testing. Allele origin: germline. Not counted in ClinVar's aggregate classification.
Comment: This variant was observed in the ICSL laboratory as part of a predisposition screen in an ostensibly healthy population. It had not been previously curated by ICSL or reported in the Human Gene Mutation Database (HGMD: prior to June 1st, 2018), and was therefore a candidate for classification through an automated scoring system. Utilizing variant allele frequency, disease prevalence and penetrance estimates, and inheritance mode, an automated score was calculated to assess if this variant is too frequent to cause the disease. Based on the score and internal cut-off values, a variant classified as benign is not then subjected to further curation. The score for this variant resulted in a classification of benign for this disease.

Illumina Laboratory Services, Illumina
Classification: Likely benign for Noonan syndrome 5. Last evaluated: 2018-01-12. Review status: criteria provided, single submitter. Criteria: ICSL Variant Classification Criteria 13 December 2019. Collection method: clinical testing. Allele origin: germline. Not counted in ClinVar's aggregate classification.
Comment: This variant was observed in the ICSL laboratory as part of a predisposition screen in an ostensibly healthy population. It had not been previously curated by ICSL or reported in the Human Gene Mutation Database (HGMD: prior to June 1st, 2018), and was therefore a candidate for classification through an automated scoring system. Utilizing variant allele frequency, disease prevalence and penetrance estimates, and inheritance mode, an automated score was calculated to assess if this variant is too frequent to cause the disease. Based on the score and internal cut-off values, a variant classified as likely benign is not then subjected to further curation. The score for this variant resulted in a classification of likely benign for this disease.

Center for Human Genetics, Inc
Classification: Uncertain significance for Noonan syndrome 1. Last evaluated: 2016-11-01. Review status: criteria provided, single submitter. Criteria: ACMG Guidelines, 2015. Collection method: clinical testing. Allele origin: germline. Affected: yes. Not counted in ClinVar's aggregate classification.

Eurofins Ntd Llc (ga)
Classification: Benign. Last evaluated: 2015-06-09. Review status: criteria provided, single submitter. Criteria: EGL Classification Definitions 2015. Collection method: clinical testing. Allele origin: germline. Observed: 1 variant allele, 1 heterozygote. Not counted in ClinVar's aggregate classification.

NM_002880.4(RAF1):c.119G>A (p.Arg40His)

Gene: RAF1 (Raf-1 proto-oncogene, serine/threonine kinase; minus strand). Cytogenetic location: 3p25.2.
Variant type: single nucleotide variant.
Coding change: c.119G>A on transcript NM_002880.4 (MANE Select); coding-DNA position 119, G replaced by A.
Protein change: p.Arg40His; replaces arginine 40 with histidine.
Molecular consequence: missense variant. On other transcripts: 5 prime UTR variant (4), non-coding transcript variant (3).
Genome position (GRCh38, 1-based): chr3:12,618,603, C>T on the plus strand (G>A on the coding strand, the complement: RAF1 is on the minus strand). VCF-style: chr3-12618603-C-T. GRCh37 (hg19) VCF-style: chr3-12660102-C-T.
Other names: p.R40H:CGC>CAC; NM_002880.3(RAF1):c.119G>A; NM_002880.4(RAF1):c.119G>A; c.119G>A, p.Arg40His (NM_001354689.3, NM_001354690.3, NM_001354693.3); c.-12G>A (NM_001354691.3, NM_001354692.3, NM_001354694.3 and 1 more transcripts); short protein forms R40H.
Identifiers: ClinVar variation 40585 (VCV000040585.41), dbSNP rs192632236, ClinGen allele CA201617.
Genomic context (GRCh38, chr3:12,618,603, plus strand): 5'-ACACGGATAGTGTTGCTTGTCTTAGAAGGATCTGTGAGTTTGCCATCATCTGATGCCCGG[C>T]GCTGATAGCCAAACTGCTGAACTATTGTAGGAGAGATGCAGCTGGAGCCATCAAACACGG-3'
Protein context (NP_002871.1, residues 30-50): PTIVQQFGYQ[Arg40His]RASDDGKLTD